The following is an entry in ClinVar:

ClinVar aggregate classification (germline): Pathogenic (1 of 4 stars; one submission).

Submission:

Labcorp Genetics (formerly Invitae), Labcorp
Classification: Pathogenic. Last evaluated: 2023-10-07. Review status: criteria provided, single submitter. Criteria: Invitae Variant Classification Sherloc (09022015). Collection method: clinical testing. Allele origin: germline.
Comment: This sequence change creates a premature translational stop signal (p.Trp557*) in the POLH gene. While this is not anticipated to result in nonsense mediated decay, it is expected to disrupt the last 157 amino acid(s) of the POLH protein. This variant is not present in population databases (gnomAD no frequency). This variant has not been reported in the literature in individuals affected with POLH-related conditions. This variant disrupts a region of the POLH protein in which other variant(s) (p.Trp557Metfs*5) have been determined to be pathogenic (PMID: 11773631; Invitae). This suggests that this is a clinically significant region of the protein, and that variants that disrupt it are likely to be disease-causing. For these reasons, this variant has been classified as Pathogenic.

Literature cited by the submitters: PubMed 11773631.

NM_006502.3(POLH):c.1671G>A (p.Trp557Ter)

Gene: POLH (DNA polymerase eta; plus strand). Cytogenetic location: 6p21.1.
Variant type: single nucleotide variant.
Coding change: c.1671G>A on transcript NM_006502.3 (MANE Select); coding-DNA position 1671, G replaced by A.
Protein change: p.Trp557Ter; replaces tryptophan 557 with a stop codon.
Molecular consequence: nonsense. On other transcripts: 3 prime UTR variant (1).
Genome position (GRCh38, 1-based): chr6:43,614,086, G>A. VCF-style: chr6-43614086-G-A. GRCh37 (hg19) VCF-style: chr6-43581823-G-A.
Other names: c.1299G>A, p.Trp433Ter (NM_001291969.2); c.*355G>A (NM_001291970.2); short protein forms W557*, W433*.
Identifiers: ClinVar variation 2766670 (VCV002766670.3), dbSNP rs2532522215, ClinGen allele CA364267096.